The following is an entry in ClinVar:

NM_001098511.3(KIF2A):c.1567del (p.Arg523fs)

Gene: KIF2A (kinesin family member 2A; plus strand). Cytogenetic location: 5q12.1.
Variant type: Deletion.
Coding change: c.1567del on transcript NM_001098511.3 (MANE Select); coding-DNA position 1567, one base deleted (C; older notation c.1567delC).
Protein change: p.Arg523fs; shifts the reading frame from arginine 523.
Molecular consequence: frameshift variant.
Genome position (GRCh38, 1-based): chr5:62,365,342, C deleted. VCF-style (leftmost placement, unchanged base first): chr5-62365341-TC-T. GRCh37 (hg19) VCF-style: chr5-61661168-TC-T.
Other names: c.1486del, p.Arg496fs (NM_001243952.2); c.1510del, p.Arg504fs (NM_001243953.2); c.1567del, p.Arg523fs (NM_004520.5); short protein forms R496fs, R523fs, R504fs.
Identifiers: ClinVar variation 1449133 (VCV001449133.6), dbSNP rs2111965043, ClinGen allele CA2573139775.

ClinVar aggregate classification (germline): Uncertain significance (1 of 4 stars; one submission).

Submission:

Labcorp Genetics (formerly Invitae), Labcorp
Classification: Uncertain significance. Last evaluated: 2021-09-24. Review status: criteria provided, single submitter. Criteria: Invitae Variant Classification Sherloc (09022015). Collection method: clinical testing. Allele origin: germline.
Comment: In summary, the available evidence is currently insufficient to determine the role of this variant in disease. Therefore, it has been classified as a Variant of Uncertain Significance. This variant has not been reported in the literature in individuals affected with KIF2A-related conditions. This variant is not present in population databases (ExAC no frequency). This sequence change creates a premature translational stop signal (p.Arg523Valfs*4) in the KIF2A gene. It is expected to result in an absent or disrupted protein product. However, the current clinical and genetic evidence is not sufficient to establish whether loss-of-function variants in KIF2A cause disease.